The following is an entry in ClinVar:

NM_000709.4(BCKDHA):c.978C>G (p.Ile326Met)

Gene: BCKDHA (branched chain keto acid dehydrogenase E1 subunit alpha; plus strand). Cytogenetic location: 19q13.2.
Variant type: single nucleotide variant.
Coding change: c.978C>G on transcript NM_000709.4 (MANE Select); coding-DNA position 978, C replaced by G.
Protein change: p.Ile326Met; replaces isoleucine 326 with methionine.
Molecular consequence: missense variant.
Genome position (GRCh38, 1-based): chr19:41,422,753, C>G. VCF-style: chr19-41422753-C-G. GRCh37 (hg19) VCF-style: chr19-41928658-C-G.
Other names: c.978C>G (NM_000709.3); c.975C>G, p.Ile325Met (NM_001164783.2); short protein forms I325M, I326M.
Identifiers: ClinVar variation 2184558 (VCV002184558.2), dbSNP rs398123514, ClinGen allele CA406013511.

ClinVar aggregate classification (germline): Uncertain significance. Review status: criteria provided, multiple submitters, no conflicts (2 of 4 stars). 2 submissions from 2 submitters: Uncertain significance (2). Last evaluated 2025-01-17.

Conditions:
Maple syrup urine disease (MSUD). Identifiers: Orphanet 511, MedGen C0024776, MeSH D008375, MONDO:0009563. Disease mechanism: loss of function.
Inborn genetic diseases. Identifiers: MedGen C0950123, MeSH D030342.

gnomAD v4.1: 5 of 1,613,524 alleles (0.00031%); highest among the groups gnomAD compares: Admixed American, 0.0083%; no homozygotes.

Submissions (2):

Ambry Genetics
Classification: Uncertain significance for Inborn genetic diseases. Last evaluated: 2025-01-17. Review status: criteria provided, single submitter. Criteria: Ambry Variant Classification Scheme 2023. Collection method: clinical testing. Allele origin: germline.

Labcorp Genetics (formerly Invitae), Labcorp
Classification: Uncertain significance for Maple syrup urine disease. Last evaluated: 2022-05-24. Review status: criteria provided, single submitter. Criteria: Invitae Variant Classification Sherloc (09022015). Collection method: clinical testing. Allele origin: germline.
Comment: This sequence change replaces isoleucine, which is neutral and non-polar, with methionine, which is neutral and non-polar, at codon 326 of the BCKDHA protein (p.Ile326Met). This variant is present in population databases (no rsID available, gnomAD 0.01%). This variant has not been reported in the literature in individuals affected with BCKDHA-related conditions. Advanced modeling of protein sequence and biophysical properties (such as structural, functional, and spatial information, amino acid conservation, physicochemical variation, residue mobility, and thermodynamic stability) performed at Invitae indicates that this missense variant is expected to disrupt BCKDHA protein function. In summary, the available evidence is currently insufficient to determine the role of this variant in disease. Therefore, it has been classified as a Variant of Uncertain Significance.